The following is an entry in ClinVar:

ClinVar aggregate classification (germline): Uncertain significance (1 of 4 stars; one submission).

Conditions:
Developmental and epileptic encephalopathy, 30 (DEE30). Also called: Epileptic encephalopathy, early infantile, 30. Identifiers: MedGen C4225360, MONDO:0014595, OMIM 616341.

Submission:

Labcorp Genetics (formerly Invitae), Labcorp
Classification: Uncertain significance for Developmental and epileptic encephalopathy, 30. Last evaluated: 2024-11-13. Review status: criteria provided, single submitter. Criteria: Invitae Variant Classification Sherloc (09022015). Collection method: clinical testing. Allele origin: germline.
Comment: This sequence change replaces alanine, which is neutral and non-polar, with valine, which is neutral and non-polar, at codon 695 of the SIK1 protein (p.Ala695Val). This variant is not present in population databases (gnomAD no frequency). This variant has not been reported in the literature in individuals affected with SIK1-related conditions. ClinVar contains an entry for this variant (Variation ID: 1408562). Invitae Evidence Modeling of protein sequence and biophysical properties (such as structural, functional, and spatial information, amino acid conservation, physicochemical variation, residue mobility, and thermodynamic stability) indicates that this missense variant is not expected to disrupt SIK1 protein function with a negative predictive value of 95%. In summary, the available evidence is currently insufficient to determine the role of this variant in disease. Therefore, it has been classified as a Variant of Uncertain Significance.

NM_173354.5(SIK1):c.2084C>T (p.Ala695Val)

Gene: SIK1 (salt inducible kinase 1; minus strand). Cytogenetic location: 21q22.3.
Variant type: single nucleotide variant.
Coding change: c.2084C>T on transcript NM_173354.5 (MANE Select); coding-DNA position 2084, C replaced by T.
Protein change: p.Ala695Val; replaces alanine 695 with valine.
Molecular consequence: missense variant.
Genome position (GRCh38, 1-based): chr21:43,417,010, G>A on the plus strand (C>T on the coding strand, the complement: SIK1 is on the minus strand). VCF-style: chr21-43417010-G-A. GRCh37 (hg19) VCF-style: chr21-44836890-G-A.
Other names: short protein forms A695V.
Identifiers: ClinVar variation 1408562 (VCV001408562.8), dbSNP rs2146467891, ClinGen allele CA410606683.